The following is an entry in ClinVar:

NM_000257.4(MYH7):c.3407G>T (p.Arg1136Leu)

Gene: MYH7 (myosin heavy chain 7; minus strand). Cytogenetic location: 14q11.2.
Variant type: single nucleotide variant.
Coding change: c.3407G>T on transcript NM_000257.4 (MANE Select); coding-DNA position 3407, G replaced by T.
Protein change: p.Arg1136Leu; replaces arginine 1136 with leucine.
Molecular consequence: missense variant.
Genome position (GRCh38, 1-based): chr14:23,420,164, C>A on the plus strand (G>T on the coding strand, the complement: MYH7 is on the minus strand). VCF-style: chr14-23420164-C-A. GRCh37 (hg19) VCF-style: chr14-23889373-C-A.
Other names: short protein forms R1136L.
Identifiers: ClinVar variation 524961 (VCV000524961.7), dbSNP rs730880905, ClinGen allele CA389043989.
Genomic context (GRCh38, chr14:23,420,164, plus strand): 5'-GCCCCGCCGGCCTCTTCCAGCCGCTCGCTGATCTCCTCCAGCTCCCGAGACAGGTCTGAG[C>A]GCAGCTTCTCCACCTTAGCCCTGGCGGTGCGCTCGGCCTCCAGCTCCTCCTCCAGCTCCT-3'
Protein context (NP_000248.2, residues 1126-1146): RTARAKVEKL[Arg1136Leu]SDLSRELEEI

ClinVar aggregate classification (germline): Uncertain significance. Review status: criteria provided, multiple submitters, no conflicts (2 of 4 stars). 2 submissions from 2 submitters: Uncertain significance (2). Last evaluated 2023-06-13.

Conditions:
Cardiomyopathy (CMYO). Also called: Cardiomyopathies. Identifiers: Orphanet 167848, MedGen C0878544, MONDO:0004994, HP:0001638. Inheritance: Various modes of inheritance.
Hypertrophic cardiomyopathy. Also called: HYPERTROPHIC MYOCARDIOPATHY. Identifiers: Orphanet 217569, MedGen C0007194, MeSH D002312, MONDO:0005045, HP:0001639.

Allele frequency attached by ClinVar (database versions not stated): gnomAD 0.00003.

Submissions (2):

Color Diagnostics, LLC DBA Color Health
Classification: Uncertain significance for Cardiomyopathy. Last evaluated: 2023-06-13. Review status: criteria provided, single submitter. Criteria: ACMG Guidelines, 2015. Collection method: clinical testing. Allele origin: germline.
Comment: This missense variant replaces arginine with leucine at codon 1136 of the MYH7 protein. Computational prediction suggests that this variant may have a deleterious impact on protein structure and function (internally defined REVEL score threshold >= 0.7, PMID: 27666373). To our knowledge, functional studies have not been reported for this variant. This variant has not been reported in individuals affected with MYH7-related disorders in the literature. This variant has been identified in 1/31254 chromosomes in the general population by the Genome Aggregation Database (gnomAD). The available evidence is insufficient to determine the role of this variant in disease conclusively. Therefore, this variant is classified as a Variant of Uncertain Significance.

Labcorp Genetics (formerly Invitae), Labcorp
Classification: Uncertain significance for Hypertrophic cardiomyopathy. Last evaluated: 2021-12-01. Review status: criteria provided, single submitter. Criteria: Invitae Variant Classification Sherloc (09022015). Collection method: clinical testing. Allele origin: germline.
Comment: This variant has not been reported in the literature in individuals affected with MYH7-related conditions. This variant is present in population databases (no rsID available, gnomAD 0.01%). This sequence change replaces arginine, which is basic and polar, with leucine, which is neutral and non-polar, at codon 1136 of the MYH7 protein (p.Arg1136Leu). ClinVar contains an entry for this variant (Variation ID: 524961). In summary, the available evidence is currently insufficient to determine the role of this variant in disease. Therefore, it has been classified as a Variant of Uncertain Significance. Algorithms developed to predict the effect of missense changes on protein structure and function are either unavailable or do not agree on the potential impact of this missense change (SIFT: "Deleterious"; PolyPhen-2: "Probably Damaging"; Align-GVGD: "Class C0").